The following is an entry in ClinVar:

ClinVar aggregate classification (germline): Uncertain significance (1 of 4 stars; one submission).

Conditions:
Charcot-Marie-Tooth disease type 4. Also called: Charcot-Marie-Tooth, Type 4; Charcot-Marie-Tooth disease, type IV. Identifiers: Orphanet 64749, MedGen C4082197, MONDO:0018995.

Submission:

Labcorp Genetics (formerly Invitae), Labcorp
Classification: Uncertain significance for Charcot-Marie-Tooth disease type 4. Last evaluated: 2022-06-20. Review status: criteria provided, single submitter. Criteria: Invitae Variant Classification Sherloc (09022015). Collection method: clinical testing. Allele origin: germline.
Comment: This variant has not been reported in the literature in individuals affected with SBF2-related conditions. This variant is not present in population databases (gnomAD no frequency). This sequence change replaces proline, which is neutral and non-polar, with serine, which is neutral and polar, at codon 867 of the SBF2 protein (p.Pro867Ser). ClinVar contains an entry for this variant (Variation ID: 1003820). In summary, the available evidence is currently insufficient to determine the role of this variant in disease. Therefore, it has been classified as a Variant of Uncertain Significance. Algorithms developed to predict the effect of missense changes on protein structure and function are either unavailable or do not agree on the potential impact of this missense change (SIFT: "Tolerated"; PolyPhen-2: "Possibly Damaging"; Align-GVGD: "Class C0").

NM_030962.4(SBF2):c.2599C>T (p.Pro867Ser)

Genes: SBF2 (SET binding factor 2; minus strand), LOC101928008 (uncharacterized LOC101928008; plus strand). Cytogenetic location: 11p15.4.
Variant type: single nucleotide variant.
Coding change: c.2599C>T on transcript NM_030962.4 (MANE Select); coding-DNA position 2599, C replaced by T.
Protein change: p.Pro867Ser; replaces proline 867 with serine.
Molecular consequence: missense variant.
Genome position (GRCh38, 1-based): chr11:9,852,687, G>A on the plus strand (C>T on the coding strand, the complement: SBF2 is on the minus strand). VCF-style: chr11-9852687-G-A. GRCh37 (hg19) VCF-style: chr11-9874234-G-A.
Other names: c.2599C>T, p.Pro867Ser (NM_001386339.1); c.2470C>T, p.Pro824Ser (NM_001386342.1); short protein forms P867S, P824S.
Identifiers: ClinVar variation 1003820 (VCV001003820.9), dbSNP rs1857042661, ClinGen allele CA379637025.